The following is an entry in ClinVar:

ClinVar aggregate classification (germline): Likely benign (1 of 4 stars; one submission).

Submission:

Women's Health and Genetics/Laboratory Corporation of America, LabCorp
Classification: Likely benign. Last evaluated: 2025-10-20. Review status: criteria provided, single submitter. Criteria: LabCorp Variant Classification Summary - May 2015. Collection method: clinical testing. Allele origin: germline.
Comment: Variant summary: KMT2C c.14534+7C>G alters a non-conserved nucleotide located at a position not widely known to affect splicing. Consensus agreement among computation tools predict no significant impact on normal splicing. However, these predictions have yet to be confirmed by functional studies. The variant allele was found at a frequency of 1.6e-05 in 251272 control chromosomes. The available data on variant occurrences in the general population are insufficient to allow any conclusion about variant significance. To our knowledge, no occurrence of c.14534+7C>G in individuals affected with KMT2C-related conditions and no experimental evidence demonstrating its impact on protein function have been reported. No submitters have cited clinical-significance assessments for this variant to ClinVar. Based on the evidence outlined above, the variant was classified as likely benign.

NM_170606.3(KMT2C):c.14534+7C>G

Gene: KMT2C (lysine methyltransferase 2C; minus strand). Cytogenetic location: 7q36.1.
Variant type: single nucleotide variant.
Coding change: c.14534+7C>G on transcript NM_170606.3 (MANE Select); 7 bases into the intron after coding-DNA position 14534, C replaced by G.
Molecular consequence: intron variant.
Genome position (GRCh38, 1-based): chr7:152,139,179, G>C on the plus strand (C>G on the coding strand, the complement: KMT2C is on the minus strand). VCF-style: chr7-152139179-G-C. GRCh37 (hg19) VCF-style: chr7-151836264-G-C.
Identifiers: ClinVar variation 4687159 (VCV004687159.1).